The following is an entry in ClinVar:

NM_007294.4(BRCA1):c.5223C>G (p.Val1741=)

Gene: BRCA1 (BRCA1 DNA repair associated; minus strand). Cytogenetic location: 17q21.31.
Variant type: single nucleotide variant.
Coding change: c.5223C>G on transcript NM_007294.4 (MANE Select); coding-DNA position 5223, C replaced by G.
Protein change: p.Val1741=; no amino-acid change (valine 1741 retained).
Molecular consequence: synonymous variant.
Genome position (GRCh38, 1-based): chr17:43,057,106, G>C on the plus strand (C>G on the coding strand, the complement: BRCA1 is on the minus strand). VCF-style: chr17-43057106-G-C. GRCh37 (hg19) VCF-style: chr17-41209123-G-C.
Other names: c.5145C>G, p.Val1715= (NM_001407654.1, NM_001407655.1, NM_001407652.1 and 1 more transcripts); c.5142C>G, p.Val1714= (NM_001407656.1, NM_001407657.1, NM_001407658.1); c.5139C>G, p.Val1713= (NM_001407659.1, NM_001407660.1, NM_001407661.1 and 2 more transcripts); c.5100C>G, p.Val1700= (NM_001407664.1, NM_001407665.1, NM_001407666.1 and 6 more transcripts); c.5097C>G, p.Val1699= (NM_001407670.1, NM_001407671.1, NM_001407672.1 and 10 more transcripts); c.5094C>G, p.Val1698= (NM_001407681.1, NM_001407682.1, NM_001407683.1 and 6 more transcripts); c.5223C>G, p.Val1741= (NM_001407684.1, NM_001407854.1, NM_001407593.1 and 7 more transcripts); c.5091C>G, p.Val1697= (NM_001407690.1, NM_001407691.1); and 72 more.
Identifiers: ClinVar variation 868197 (VCV000868197.3), dbSNP rs2051519153, ClinGen allele CA500144763.

Conditions:
Breast-ovarian cancer, familial, susceptibility to, 1 (BROVCA1). Also called: BRCA1 Hereditary Breast and Ovarian Cancer; OVARIAN CANCER, SUSCEPTIBILITY TO. Identifiers: Orphanet 145, MedGen C2676676, MONDO:0011450, OMIM 604370. Disease mechanism: loss of function.

Submission:

Brotman Baty Institute, University of Washington
No classification provided (evidence only). Condition: Breast-ovarian cancer, familial 1. Review status: no classification provided. Collection method: in vitro. Allele origin: not applicable. Functional consequence: functionally_normal.
ClinVar note: "not provided" was previously submitted as the classification for the variant. However, the classification appeared to be based only on an observation of functional data so it was converted to no classification on 2025-07-30.